The following is an entry in ClinVar:

ClinVar aggregate classification (germline): Likely benign. Review status: criteria provided, multiple submitters, no conflicts (2 of 4 stars). 4 submissions from 4 submitters: Likely benign (3). 1 of the submissions does not count toward it. Last evaluated 2025-12-09.

Conditions:
Marshall-Smith syndrome (MRSHSS). Identifiers: Orphanet 561, MedGen C0265211, MONDO:0011244, OMIM 602535.
Malan overgrowth syndrome (MALNS). Also called: NFIX-Related Malan Syndrome; Sotos syndrome 2; MALAN SYNDROME. Identifiers: Orphanet 420179, MedGen C3553660, MONDO:0013885, OMIM 614753.
Inborn genetic diseases. Identifiers: MedGen C0950123, MeSH D030342.
NFIX-related disorder. Also called: NFIX-related condition.

gnomAD v4.1: 56 of 1,598,854 alleles (0.0035%); highest among the groups gnomAD compares: Admixed American, 0.0086%; 1 homozygote.

Submissions (4):

Labcorp Genetics (formerly Invitae), Labcorp
Classification: Likely benign for Malan overgrowth syndrome; Marshall-Smith syndrome. Last evaluated: 2025-12-09. Review status: criteria provided, single submitter. Criteria: Invitae Variant Classification Sherloc (09022015). Collection method: clinical testing. Allele origin: germline.

Blueprint Genetics
Classification: Likely benign. Last evaluated: 2024-03-04. Review status: criteria provided, single submitter. Criteria: ACMG Guidelines, 2015. Collection method: clinical testing. Allele origin: germline.

Ambry Genetics
Classification: Likely benign for Inborn genetic diseases. Last evaluated: 2022-08-17. Review status: criteria provided, single submitter. Criteria: Ambry Variant Classification Scheme 2023. Collection method: clinical testing. Allele origin: germline.

PreventionGenetics, part of Exact Sciences
Classification: Likely benign for NFIX-related condition. Last evaluated: 2019-06-13. Review status: no assertion criteria provided. Collection method: clinical testing. Allele origin: germline. Not counted in ClinVar's aggregate classification.
Comment: This variant is classified as likely benign based on ACMG/AMP sequence variant interpretation guidelines (Richards et al. 2015 PMID: 25741868, with internal and published modifications).

NM_001365902.3(NFIX):c.956-4C>G

Gene: NFIX (nuclear factor I X; plus strand). Cytogenetic location: 19p13.13.
Variant type: single nucleotide variant.
Coding change: c.956-4C>G on transcript NM_001365902.3 (MANE Select); 4 bases into the intron before coding-DNA position 956, C replaced by G.
Molecular consequence: intron variant.
Genome position (GRCh38, 1-based): chr19:13,078,609, C>G. VCF-style: chr19-13078609-C-G. GRCh37 (hg19) VCF-style: chr19-13189423-C-G.
Other names: c.956-4C>G (NM_002501.3, NM_002501.4); c.955+2938C>G (NM_001365982.2); c.932-4C>G (NM_001378404.1, NM_001271044.3); c.1004-4C>G (NM_001378405.1); c.815-4C>G (NM_001365983.2); c.980-4C>G (NM_001271043.2); c.953-4C>G (NM_001365984.2, NM_001365985.2).
Identifiers: ClinVar variation 2222264 (VCV002222264.8), dbSNP rs1046851486, ClinGen allele CA305557942.
Genomic context (GRCh38, chr19:13,078,609, plus strand): 5'-CGCCTTCCCCGCACCCACCCCAGCCCAGCTAAACCTGCCCTGTGTTGCTGCTTCCTCCCC[C>G]CAGGCCCGGCTTCTCTAAAGAAGTCAGGAAAGCTGGACTTCTGCAGTGCCCTCTCCTCTC-3'